The following is an entry in ClinVar:

NM_024408.4(NOTCH2):c.7228G>A (p.Gly2410Ser)

Gene: NOTCH2 (notch receptor 2; minus strand). Cytogenetic location: 1p12.
Variant type: single nucleotide variant.
Coding change: c.7228G>A on transcript NM_024408.4 (MANE Select); coding-DNA position 7228, G replaced by A.
Protein change: p.Gly2410Ser; replaces glycine 2410 with serine.
Molecular consequence: missense variant.
Genome position (GRCh38, 1-based): chr1:119,915,494, C>T on the plus strand (G>A on the coding strand, the complement: NOTCH2 is on the minus strand). VCF-style: chr1-119915494-C-T. GRCh37 (hg19) VCF-style: chr1-120458117-C-T.
Other names: short protein forms G2410S.
Identifiers: ClinVar variation 4808058 (VCV004808058.1).

ClinVar aggregate classification (germline): Uncertain significance (1 of 4 stars; one submission).

Conditions:
Hajdu-Cheney syndrome (HJCYS). Also called: ACROOSTEOLYSIS WITH OSTEOPOROSIS AND CHANGES IN SKULL AND MANDIBLE; SERPENTINE FIBULA-POLYCYSTIC KIDNEY SYNDROME; Acroosteolysis dominant type. Identifiers: Orphanet 955, MedGen C0917715, MONDO:0007057, OMIM 102500.

gnomAD v4.1: 1 of 1,614,090 alleles (0.000062%); highest among the groups gnomAD compares: Non-Finnish European, 0.000085%; no homozygotes.

Submission:

Labcorp Genetics (formerly Invitae), Labcorp
Classification: Uncertain significance for Hajdu-Cheney syndrome. Last evaluated: 2025-03-18. Review status: criteria provided, single submitter. Criteria: Invitae Variant Classification Sherloc (09022015). Collection method: clinical testing. Allele origin: germline.
Comment: This sequence change replaces glycine, which is neutral and non-polar, with serine, which is neutral and polar, at codon 2410 of the NOTCH2 protein (p.Gly2410Ser). This variant is not present in population databases (gnomAD no frequency). This variant has not been reported in the literature in individuals affected with NOTCH2-related conditions. Invitae Evidence Modeling of protein sequence and biophysical properties (such as structural, functional, and spatial information, amino acid conservation, physicochemical variation, residue mobility, and thermodynamic stability) indicates that this missense variant is not expected to disrupt NOTCH2 protein function with a negative predictive value of 95%. In summary, the available evidence is currently insufficient to determine the role of this variant in disease. Therefore, it has been classified as a Variant of Uncertain Significance.